The following is an entry in ClinVar:

NM_004959.5(NR5A1):c.469C>T (p.Pro157Ser)

Gene: NR5A1 (nuclear receptor subfamily 5 group A member 1; minus strand). Cytogenetic location: 9q33.3.
Variant type: single nucleotide variant.
Coding change: c.469C>T on transcript NM_004959.5 (MANE Select); coding-DNA position 469, C replaced by T.
Protein change: p.Pro157Ser; replaces proline 157 with serine.
Molecular consequence: missense variant.
Genome position (GRCh38, 1-based): chr9:124,500,491, G>A on the plus strand (C>T on the coding strand, the complement: NR5A1 is on the minus strand). VCF-style: chr9-124500491-G-A. GRCh37 (hg19) VCF-style: chr9-127262770-G-A.
Other names: short protein forms P157S.
Identifiers: ClinVar variation 3407698 (VCV003407698.2).

ClinVar aggregate classification (germline): Uncertain significance. Review status: criteria provided, multiple submitters, no conflicts (2 of 4 stars). 2 submissions from 2 submitters: Uncertain significance (2). Last evaluated 2025-07-29.

Conditions:
Inborn genetic diseases. Identifiers: MedGen C0950123, MeSH D030342.

Submissions (2):

GeneDx
Classification: Uncertain significance. Last evaluated: 2025-07-29. Review status: criteria provided, single submitter. Criteria: GeneDx Variant Classification Process June 2021. Collection method: clinical testing. Allele origin: germline. Affected: yes.
Comment: Not observed at significant frequency in large population cohorts (gnomAD); In silico analysis suggests that this missense variant does not alter protein structure/function; Has not been previously published as pathogenic or benign to our knowledge

Ambry Genetics
Classification: Uncertain significance for Inborn genetic diseases. Last evaluated: 2024-08-12. Review status: criteria provided, single submitter. Criteria: Ambry Variant Classification Scheme 2023. Collection method: clinical testing. Allele origin: germline.